The following is an entry in ClinVar:

ClinVar aggregate classification (germline): Pathogenic (1 of 4 stars; one submission).

Conditions:
Familial adenomatous polyposis 1 (FAP1). Also called: FAMILIAL ADENOMATOUS POLYPOSIS 1, ATTENUATED; POLYPOSIS, ADENOMATOUS INTESTINAL. Identifiers: MedGen C2713442, MONDO:0021056, OMIM 175100. Disease mechanism: loss of function.

Submission:

Myriad Genetics, Inc.
Classification: Pathogenic for Familial adenomatous polyposis 1. Last evaluated: 2023-05-05. Review status: criteria provided, single submitter. Criteria: Myriad Autosomal Dominant, Autosomal Recessive and X-Linked Classification Criteria (2023). Collection method: clinical testing. Allele origin: unknown.
Comment: This variant is considered pathogenic. This variant creates a frameshift predicted to result in premature protein truncation.

NM_000038.6(APC):c.2915_2916del (p.Gly972fs)

Gene: APC (APC regulator of Wnt signaling pathway; plus strand). Cytogenetic location: 5q22.2.
Variant type: Deletion.
Coding change: c.2915_2916del on transcript NM_000038.6 (MANE Select); coding-DNA positions 2915 to 2916, 2 bases deleted (GT; older notation c.2915_2916delGT).
Protein change: p.Gly972fs; shifts the reading frame from glycine 972.
Molecular consequence: frameshift variant. On other transcripts: non-coding transcript variant (2).
Genome position (GRCh38, 1-based): chr5:112,838,509-112,838,510, GT deleted. VCF-style (leftmost placement, unchanged base first): chr5-112838508-GGT-G. GRCh37 (hg19) VCF-style: chr5-112174205-GGT-G.
Other names: c.2612_2613del, p.Gly871fs (NM_001407459.1, NM_001407460.1, NM_001354903.2 and 1 more transcripts); c.2066_2067del, p.Gly689fs (NM_001407470.1, NM_001354906.2); c.1763_1764del, p.Gly588fs (NM_001407471.1, NM_001407472.1); c.2528_2529del, p.Gly843fs (NM_001407469.1, NM_001407467.1); c.2915_2916del, p.Gly972fs (NM_001127510.3, NM_001354895.2, NM_001407450.1); c.2861_2862del, p.Gly954fs (NM_001127511.3); c.2969_2970del, p.Gly990fs (NM_001354896.2, NM_001407447.1, NM_001407448.1 and 1 more transcripts); c.2945_2946del, p.Gly982fs (NM_001354897.2); and 11 more; short protein forms G1000fs, G588fs, G689fs, G812fs, G843fs, G846fs, G871fs, G881fs.
Identifiers: ClinVar variation 2584027 (VCV002584027.2), dbSNP rs2533458917, ClinGen allele CA2582341453.